The following is an entry in ClinVar:

ClinVar aggregate classification (germline): Conflicting classifications of pathogenicity. Review status: criteria provided, conflicting classifications (1 of 4 stars). 11 submissions from 7 submitters: Uncertain significance (3); Benign (2); Likely benign (6). Last evaluated 2026-02-19.

Conditions:
TTN-related disorder. Also called: TTN-related condition; TTN-related disease; TTN-related disorders.
Cardiovascular phenotype. Identifiers: MedGen CN230736.
Autosomal recessive limb-girdle muscular dystrophy type 2J (LGMDR10). Also called: Limb-girdle muscular dystrophy, type 2J; MUSCULAR DYSTROPHY, LIMB-GIRDLE, AUTOSOMAL RECESSIVE 10. Identifiers: Orphanet 140922, MedGen C1837342, MONDO:0012127, OMIM 608807.
Dilated cardiomyopathy 1G (CMD1G). Identifiers: Orphanet 154, MedGen C1858763, MONDO:0011400, OMIM 604145.
Early-onset myopathy with fatal cardiomyopathy (CMYO5). Also called: Salih Myopathy; CONGENITAL MYOPATHY 5 WITH CARDIOMYOPATHY. Identifiers: Orphanet 289377, MedGen C2673677, MONDO:0012714, OMIM 611705. Disease mechanism: loss of function.
Tibial muscular dystrophy (TMD). Also called: Tibial muscular dystrophy, tardive; UDD MYOPATHY; Udd Distal Myopathy – Tibial Muscular Dystrophy. Identifiers: Orphanet 609, MedGen C1838244, MONDO:0010870, OMIM 600334.
Myopathy, myofibrillar, 9, with early respiratory failure (MFM9). Also called: Hereditary myopathy with early respiratory failure; EDSTROM MYOPATHY; MYOPATHY, PROXIMAL, WITH EARLY RESPIRATORY MUSCLE INVOLVEMENT; Myopathy, distal, with early respiratory failure, autosomal dominant. Identifiers: Orphanet 178464, Orphanet 34521, MedGen C1863599, MONDO:0011362, OMIM 603689.

Allele frequency attached by ClinVar (database versions not stated): gnomAD exomes 0.00001; ExAC 0.00002; TOPMed 0.00006; ESP Exome Variant Server 0.00008; gnomAD 0.00008.
gnomAD v4.1: 101 of 1,614,022 alleles (0.0063%); highest among the groups gnomAD compares: African/African-American, 0.015%; no homozygotes.

Submissions (11):

PreventionGenetics, part of Exact Sciences
Classification: Likely benign for TTN-related condition. Last evaluated: 2026-02-19. Review status: criteria provided, single submitter. Criteria: ACMG Guidelines, 2015. Collection method: clinical testing. Allele origin: germline.
Comment: This variant is classified as likely benign based on ACMG/AMP sequence variant interpretation guidelines (Richards et al. 2015 PMID: 25741868, with internal and published modifications).

Labcorp Genetics (formerly Invitae), Labcorp
Classification: Likely benign for Dilated cardiomyopathy 1G; Autosomal recessive limb-girdle muscular dystrophy type 2J. Last evaluated: 2025-11-10. Review status: criteria provided, single submitter. Criteria: Invitae Variant Classification Sherloc (09022015). Collection method: clinical testing. Allele origin: germline.

Blueprint Genetics
Classification: Likely benign. Last evaluated: 2023-11-14. Review status: criteria provided, single submitter. Criteria: ACMG Guidelines, 2015. Collection method: clinical testing. Allele origin: germline.

Ambry Genetics
Classification: Likely benign for Cardiovascular phenotype. Last evaluated: 2020-08-31. Review status: criteria provided, single submitter. Criteria: Ambry Variant Classification Scheme 2023. Collection method: clinical testing. Allele origin: germline.

Illumina Laboratory Services, Illumina
Classification: Uncertain significance for Autosomal recessive limb-girdle muscular dystrophy type 2J. Last evaluated: 2018-01-12. Review status: criteria provided, single submitter. Criteria: ICSL Variant Classification Criteria 13 December 2019. Collection method: clinical testing. Allele origin: germline.

Illumina Laboratory Services, Illumina
Classification: Uncertain significance for Dilated cardiomyopathy 1G. Last evaluated: 2018-01-12. Review status: criteria provided, single submitter. Criteria: ICSL Variant Classification Criteria 13 December 2019. Collection method: clinical testing. Allele origin: germline.

Illumina Laboratory Services, Illumina
Classification: Uncertain significance for Early-onset myopathy with fatal cardiomyopathy. Last evaluated: 2018-01-12. Review status: criteria provided, single submitter. Criteria: ICSL Variant Classification Criteria 13 December 2019. Collection method: clinical testing. Allele origin: germline.

Illumina Laboratory Services, Illumina
Classification: Benign for Myopathy, myofibrillar, 9, with early respiratory failure. Last evaluated: 2018-01-12. Review status: criteria provided, single submitter. Criteria: ICSL Variant Classification Criteria 13 December 2019. Collection method: clinical testing. Allele origin: germline.
Comment: This variant was observed in the ICSL laboratory as part of a predisposition screen in an ostensibly healthy population. It had not been previously curated by ICSL or reported in the Human Gene Mutation Database (HGMD: prior to June 1st, 2018), and was therefore a candidate for classification through an automated scoring system. Utilizing variant allele frequency, disease prevalence and penetrance estimates, and inheritance mode, an automated score was calculated to assess if this variant is too frequent to cause the disease. Based on the score and internal cut-off values, a variant classified as benign is not then subjected to further curation. The score for this variant resulted in a classification of benign for this disease.

Illumina Laboratory Services, Illumina
Classification: Benign for Tibial muscular dystrophy. Last evaluated: 2018-01-12. Review status: criteria provided, single submitter. Criteria: ICSL Variant Classification Criteria 13 December 2019. Collection method: clinical testing. Allele origin: germline.
Comment: the same text as in the submission from Illumina Laboratory Services, Illumina above.

GeneDx
Classification: Likely benign. Last evaluated: 2017-12-12. Review status: criteria provided, single submitter. Criteria: GeneDx Variant Classification (06012015). Collection method: clinical testing. Allele origin: germline. Affected: yes.
Comment: This variant is considered likely benign or benign based on one or more of the following criteria: it is a conservative change, it occurs at a poorly conserved position in the protein, it is predicted to be benign by multiple in silico algorithms, and/or has population frequency not consistent with disease.

Laboratory for Molecular Medicine, Mass General Brigham Personalized Medicine
Classification: Likely benign. Last evaluated: 2012-02-06. Review status: criteria provided, single submitter. Criteria: LMM Criteria. Collection method: clinical testing. Allele origin: germline. Observed: 1 variant allele.
Comment: Thr455Thr in exon 8 of TTN: This variant is not expected to have clinical signif icance because it does not alter an amino acid residue and is not located within the splice consensus sequence. This has also been identified in 1/3738 African American chromosomes by the NHLBI Exome Sequencing Project in a broad population (dbSNP rs145211131). Thr455Thr in exon 8 of TTN (rs145211131; allele frequency = 1/3738) **

NM_001267550.2(TTN):c.1365G>A (p.Thr455=)

Gene: TTN (titin; minus strand). Cytogenetic location: 2q31.2.
Variant type: single nucleotide variant.
Coding change: c.1365G>A on transcript NM_001267550.2 (MANE Select); coding-DNA position 1365, G replaced by A.
Protein change: p.Thr455=; no amino-acid change (threonine 455 retained).
Molecular consequence: synonymous variant.
Genome position (GRCh38, 1-based): chr2:178,794,432, C>T on the plus strand (G>A on the coding strand, the complement: TTN is on the minus strand). VCF-style: chr2-178794432-C-T. GRCh37 (hg19) VCF-style: chr2-179659159-C-T.
Other names: c.1365G>A, p.Thr455= (NM_001256850.1, NM_133378.4, NM_003319.4 and 3 more transcripts).
Identifiers: ClinVar variation 46628 (VCV000046628.23), dbSNP rs145211131, ClinGen allele CA138805.
Genomic context (GRCh38, chr2:178,794,432, plus strand): 5'-GGTGCCCCATGGCAGCCTCGCACGTACCTGTTCTTGAGCAGGTTGGATGTGCACAGCAGT[C>T]GTGGTTGTCCTCTGAGCAGTCTGCTCTACAGCGCTGATCACTGGTTCTCTCACTCTGGCC-3'
Protein context (NP_001254479.2, residues 445-465): AVEQTAQRTT[Thr455=]TAVHIQPAQE